The following is an entry in ClinVar:

NM_015102.5(NPHP4):c.1047C>T (p.Val349=)

Gene: NPHP4 (nephrocystin 4; minus strand). Cytogenetic location: 1p36.31.
Variant type: single nucleotide variant.
Coding change: c.1047C>T on transcript NM_015102.5 (MANE Select); coding-DNA position 1047, C replaced by T.
Protein change: p.Val349=; no amino-acid change (valine 349 retained).
Molecular consequence: synonymous variant. On other transcripts: 5 prime UTR variant (2), non-coding transcript variant (1).
Genome position (GRCh38, 1-based): chr1:5,947,176, G>A on the plus strand (C>T on the coding strand, the complement: NPHP4 is on the minus strand). VCF-style: chr1-5947176-G-A. GRCh37 (hg19) VCF-style: chr1-6007236-G-A.
Other names: c.-320C>T (NM_001291593.2, NM_001291594.2); c.1047C>T (NM_015102.4).
Identifiers: ClinVar variation 297827 (VCV000297827.16), dbSNP rs560597983, ClinGen allele CA554656.

ClinVar aggregate classification (germline): Conflicting classifications of pathogenicity. Review status: criteria provided, conflicting classifications (1 of 4 stars). 5 submissions from 4 submitters: Uncertain significance (2); Likely benign (2). 1 of the submissions does not count toward it. Last evaluated 2024-06-06.

Conditions:
NPHP4-related disorder. Also called: NPHP4-related disorders; NPHP4-related condition. Identifiers: MedGen CN239384.
Nephronophthisis. Also called: Juvenile Nephronophthisis. Identifiers: Orphanet 655, MedGen C0687120, MONDO:0019005, HP:0000090.
Senior-Loken syndrome 4 (SLSN4). Identifiers: Orphanet 3156, MedGen C1846979, MONDO:0011756, OMIM 606996.
Nephronophthisis 4 (NPHP4). Also called: NEPHRONOPHTHISIS 4, JUVENILE. Identifiers: Orphanet 655, MedGen C1847013, MONDO:0011752, OMIM 606966.

Allele frequency attached by ClinVar (database versions not stated): gnomAD 0.00001; TOPMed 0.00004; ExAC 0.00006; gnomAD exomes 0.00006; 1000 Genomes Project 30x 0.00016; 1000 Genomes Project 0.00020.
gnomAD v4.1: 31 of 1,613,878 alleles (0.0019%); highest among the groups gnomAD compares: East Asian, 0.036%; no homozygotes.

Submissions (5):

Blueprint Genetics
Classification: Likely benign. Last evaluated: 2024-06-06. Review status: criteria provided, single submitter. Criteria: ACMG Guidelines, 2015. Collection method: clinical testing. Allele origin: germline.

Labcorp Genetics (formerly Invitae), Labcorp
Classification: Likely benign for Nephronophthisis. Last evaluated: 2024-05-02. Review status: criteria provided, single submitter. Criteria: Invitae Variant Classification Sherloc (09022015). Collection method: clinical testing. Allele origin: germline.

Illumina Laboratory Services, Illumina
Classification: Uncertain significance for Senior-Loken syndrome 4. Last evaluated: 2018-01-13. Review status: criteria provided, single submitter. Criteria: ICSL Variant Classification Criteria 13 December 2019. Collection method: clinical testing. Allele origin: germline.

Illumina Laboratory Services, Illumina
Classification: Uncertain significance for Nephronophthisis 4. Last evaluated: 2018-01-13. Review status: criteria provided, single submitter. Criteria: ICSL Variant Classification Criteria 13 December 2019. Collection method: clinical testing. Allele origin: germline.

PreventionGenetics, part of Exact Sciences
Classification: Likely benign for NPHP4-related condition. Last evaluated: 2021-03-15. Review status: no assertion criteria provided. Collection method: clinical testing. Allele origin: germline. Not counted in ClinVar's aggregate classification.
Comment: This variant is classified as likely benign based on ACMG/AMP sequence variant interpretation guidelines (Richards et al. 2015 PMID: 25741868, with internal and published modifications).